The following is an entry in ClinVar:

NM_003630.3(PEX3):c.586C>T (p.Leu196Phe)

Gene: PEX3 (peroxisomal biogenesis factor 3; plus strand). Cytogenetic location: 6q24.2.
Variant type: single nucleotide variant.
Coding change: c.586C>T on transcript NM_003630.3 (MANE Select); coding-DNA position 586, C replaced by T.
Protein change: p.Leu196Phe; replaces leucine 196 with phenylalanine.
Molecular consequence: missense variant.
Genome position (GRCh38, 1-based): chr6:143,472,167, C>T. VCF-style: chr6-143472167-C-T. GRCh37 (hg19) VCF-style: chr6-143793304-C-T.
Other names: short protein forms L196F.
Identifiers: ClinVar variation 1522962 (VCV001522962.6), dbSNP rs1780084292, ClinGen allele CA365912032.

ClinVar aggregate classification (germline): Uncertain significance (1 of 4 stars; one submission).

Submission:

Labcorp Genetics (formerly Invitae), Labcorp
Classification: Uncertain significance. Last evaluated: 2021-10-05. Review status: criteria provided, single submitter. Criteria: Invitae Variant Classification Sherloc (09022015). Collection method: clinical testing. Allele origin: germline.
Comment: In summary, the available evidence is currently insufficient to determine the role of this variant in disease. Therefore, it has been classified as a Variant of Uncertain Significance. Algorithms developed to predict the effect of missense changes on protein structure and function are either unavailable or do not agree on the potential impact of this missense change (SIFT: "Deleterious"; PolyPhen-2: "Probably Damaging"; Align-GVGD: "Class C15"). This variant has not been reported in the literature in individuals affected with PEX3-related conditions. This variant is not present in population databases (ExAC no frequency). This sequence change replaces leucine with phenylalanine at codon 196 of the PEX3 protein (p.Leu196Phe). The leucine residue is highly conserved and there is a small physicochemical difference between leucine and phenylalanine.